The following is an entry in ClinVar:

ClinVar aggregate classification (germline): Uncertain significance (1 of 4 stars; one submission).

Allele frequency attached by ClinVar (database versions not stated): gnomAD exomes below 0.00001; ExAC 0.00001.
gnomAD v4.1: 7 of 1,614,080 alleles (0.00043%); highest among the groups gnomAD compares: Non-Finnish European, 0.00051%; no homozygotes.

Submission:

Ambry Genetics
Classification: Uncertain significance. Last evaluated: 2024-09-30. Review status: criteria provided, single submitter. Criteria: Ambry Variant Classification Scheme 2023. Collection method: clinical testing. Allele origin: germline.
Comment: The p.H2018P variant (also known as c.6053A>C), located in coding exon 10 of the ALPK2 gene, results from an A to C substitution at nucleotide position 6053. The histidine at codon 2018 is replaced by proline, an amino acid with similar properties. This amino acid position is conserved. In addition, this alteration is predicted to be tolerated by in silico analysis. Since supporting evidence is limited at this time, the clinical significance of this alteration remains unclear.

NM_052947.4(ALPK2):c.6053A>C (p.His2018Pro)

Gene: ALPK2 (alpha kinase 2; minus strand). Cytogenetic location: 18q21.31.
Variant type: single nucleotide variant.
Coding change: c.6053A>C on transcript NM_052947.4 (MANE Select); coding-DNA position 6053, A replaced by C.
Protein change: p.His2018Pro; replaces histidine 2018 with proline.
Molecular consequence: missense variant.
Genome position (GRCh38, 1-based): chr18:58,504,125, T>G on the plus strand (A>C on the coding strand, the complement: ALPK2 is on the minus strand). VCF-style: chr18-58504125-T-G. GRCh37 (hg19) VCF-style: chr18-56171357-T-G.
Other names: short protein forms H2018P.
Identifiers: ClinVar variation 1751288 (VCV001751288.3), dbSNP rs746079272, ClinGen allele CA8976264.